The following is an entry in ClinVar:

ClinVar aggregate classification (germline): Conflicting classifications of pathogenicity. Review status: criteria provided, conflicting classifications (1 of 4 stars). 3 submissions from 3 submitters: Uncertain significance (2); Likely benign (1). Last evaluated 2024-09-20.

Conditions:
Congenital hyperammonemia, type I. Also called: CPS 1 deficiency; Carbamyl phosphate synthetase (CPS) deficiency; Carbamoyl-phosphate synthase I deficiency; CPS I DEFICIENCY; Carbamoyl phosphate synthetase I deficiency disease; Carbamoyl phosphate synthetase 1 deficiency. Identifiers: Orphanet 147, MedGen C4082171, MONDO:0009376, OMIM 237300.

Allele frequency attached by ClinVar (database versions not stated): ExAC 0.00006; ESP Exome Variant Server 0.00008; 1000 Genomes Project 0.00020; 1000 Genomes Project 30x 0.00031.
gnomAD v4.1: 57 of 1,609,724 alleles (0.0035%); highest among the groups gnomAD compares: Middle Eastern, 0.017%; no homozygotes.

Submissions (3):

3billion
Classification: Likely benign for Congenital hyperammonemia, type I. Last evaluated: 2024-09-20. Review status: criteria provided, single submitter. Criteria: ACMG Guidelines, 2015. Collection method: clinical testing. Allele origin: germline. Affected: no.
Comment: The homozygous variant was found in patients diagnosed with another variant in a different gene, with no symptoms related to the gene containing the homozygous variant.

GeneDx
Classification: Uncertain significance. Last evaluated: 2023-12-10. Review status: criteria provided, single submitter. Criteria: GeneDx Variant Classification Process June 2021. Collection method: clinical testing. Allele origin: germline. Affected: yes.
Comment: Variant at the last nucleotide of the exon in a gene for which loss of function is a known mechanism of disease, and both splice predictors and evolutionary conservation support a deleterious effect, although in the absence of functional evidence the actual effect of this sequence change is unknown.; Has not been previously published as pathogenic or benign to our knowledge

Labcorp Genetics (formerly Invitae), Labcorp
Classification: Uncertain significance for Congenital hyperammonemia, type I. Last evaluated: 2021-05-04. Review status: criteria provided, single submitter. Criteria: Invitae Variant Classification Sherloc (09022015). Collection method: clinical testing. Allele origin: germline.
Comment: This sequence change affects codon 1387 of the CPS1 mRNA. It is a 'silent' change, meaning that it does not change the encoded amino acid sequence of the CPS1 protein. This variant also falls at the last nucleotide of exon 35, which is part of the consensus splice site for this exon. This variant is present in population databases (rs200616712, ExAC 0.03%). This variant has not been reported in the literature in individuals with CPS1-related conditions. Nucleotide substitutions within the consensus splice site are a relatively common cause of aberrant splicing (PMID: 17576681, 9536098). Algorithms developed to predict the effect of sequence changes on RNA splicing suggest that this variant may disrupt the consensus splice site, but this prediction has not been confirmed by published transcriptional studies. In summary, the available evidence is currently insufficient to determine the role of this variant in disease. Therefore, it has been classified as a Variant of Uncertain Significance.

Literature cited by the submitters: PubMed 17576681 (cited by Labcorp Genetics (formerly Invitae), Labcorp); PubMed 9536098 (cited by Labcorp Genetics (formerly Invitae), Labcorp).

NM_001875.5(CPS1):c.4161G>A (p.Lys1387=)

Gene: CPS1 (carbamoyl-phosphate synthase 1; plus strand). Cytogenetic location: 2q34.
Variant type: single nucleotide variant.
Coding change: c.4161G>A on transcript NM_001875.5 (MANE Select); coding-DNA position 4161, G replaced by A.
Protein change: p.Lys1387=; no amino-acid change (lysine 1387 retained).
Molecular consequence: synonymous variant. On other transcripts: non-coding transcript variant (2).
Genome position (GRCh38, 1-based): chr2:210,674,961, G>A. VCF-style: chr2-210674961-G-A. GRCh37 (hg19) VCF-style: chr2-211539685-G-A.
Other names: c.4161G>A, p.Lys1387= (NM_001122633.3, NM_001369257.1); c.4194G>A, p.Lys1398= (NM_001369256.1).
Identifiers: ClinVar variation 2081891 (VCV002081891.3), dbSNP rs200616712, ClinGen allele CA2087200.